The following is an entry in ClinVar:

ClinVar aggregate classification (germline): Uncertain significance (1 of 4 stars; one submission).

Conditions:
Hereditary cancer-predisposing syndrome. Also called: Neoplastic Syndromes, Hereditary; Hereditary neoplastic syndrome; Tumor predisposition; Hereditary Cancer Syndrome. Identifiers: Orphanet 140162, MedGen C0027672, MeSH D009386, MONDO:0015356.

Submission:

Ambry Genetics
Classification: Uncertain significance for Hereditary cancer-predisposing syndrome. Last evaluated: 2023-01-12. Review status: criteria provided, single submitter. Criteria: Ambry Variant Classification Scheme 2023. Collection method: clinical testing. Allele origin: germline.
Comment: The c.3165C>G variant (also known as p.G1055G), located in coding exon 27 of the TSC2 gene, results from a C to G substitution at nucleotide position 3165. This nucleotide substitution does not change the at codon 1055. This nucleotide position is not well conserved in available vertebrate species. In silico splice site analysis for this alteration is inconclusive. Direct RNA evidence is insufficient at this time. Since supporting evidence is limited at this time, the clinical significance of this alteration remains unclear.

NM_000548.5(TSC2):c.3165C>G (p.Gly1055=)

Gene: TSC2 (TSC complex subunit 2; plus strand). Cytogenetic location: 16p13.3.
Variant type: single nucleotide variant.
Coding change: c.3165C>G on transcript NM_000548.5 (MANE Select); coding-DNA position 3165, C replaced by G.
Protein change: p.Gly1055=; no amino-acid change (glycine 1055 retained).
Molecular consequence: synonymous variant. On other transcripts: non-coding transcript variant (5).
Genome position (GRCh38, 1-based): chr16:2,079,309, C>G. VCF-style: chr16-2079309-C-G. GRCh37 (hg19) VCF-style: chr16-2129310-C-G.
Other names: c.3033C>G, p.Gly1011= (NM_001077183.3, NM_001370404.1, NM_001406665.1); c.3165C>G, p.Gly1055= (NM_001114382.3); c.2925C>G, p.Gly975= (NM_001318827.2); c.2889C>G, p.Gly963= (NM_001318829.2); c.2433C>G, p.Gly811= (NM_001318831.2, NM_001406687.1, NM_001406688.1); c.3066C>G, p.Gly1022= (NM_001318832.2); c.3036C>G, p.Gly1012= (NM_001363528.2, NM_001370405.1, NM_021055.3); c.3162C>G, p.Gly1054= (NM_001406663.1, NM_001406664.1); and 18 more.
Identifiers: ClinVar variation 2497451 (VCV002497451.2), dbSNP rs1215210783, ClinGen allele CA493042846.